The following is an entry in ClinVar:

ClinVar aggregate classification (germline): Uncertain significance. Review status: criteria provided, multiple submitters, no conflicts (2 of 4 stars). 2 submissions from 2 submitters: Uncertain significance (2). Last evaluated 2025-03-14.

Conditions:
Inborn genetic diseases. Identifiers: MedGen C0950123, MeSH D030342.

Allele frequency attached by ClinVar (database versions not stated): gnomAD exomes below 0.00001.
gnomAD v4.1: 2 of 1,608,728 alleles (0.00012%); highest among the groups gnomAD compares: Non-Finnish European, 0.00017%; no homozygotes.

Submissions (2):

Ambry Genetics
Classification: Uncertain significance for Inborn genetic diseases. Last evaluated: 2025-03-14. Review status: criteria provided, single submitter. Criteria: Ambry Variant Classification Scheme 2023. Collection method: clinical testing. Allele origin: germline.
Comment: The p.E327V variant (also known as c.980A>T), located in coding exon 5 of the ETV6 gene, results from an A to T substitution at nucleotide position 980. The glutamic acid at codon 327 is replaced by valine, an amino acid with dissimilar properties. This amino acid position is conserved. In addition, this alteration is predicted to be tolerated by in silico analysis. Based on the available evidence, the clinical significance of this variant remains unclear.

Labcorp Genetics (formerly Invitae), Labcorp
Classification: Uncertain significance. Last evaluated: 2022-07-13. Review status: criteria provided, single submitter. Criteria: Invitae Variant Classification Sherloc (09022015). Collection method: clinical testing. Allele origin: germline.
Comment: This sequence change replaces glutamic acid, which is acidic and polar, with valine, which is neutral and non-polar, at codon 327 of the ETV6 protein (p.Glu327Val). This variant is not present in population databases (gnomAD no frequency). This variant has not been reported in the literature in individuals affected with ETV6-related conditions. This missense change has been observed in at least one individual who was not affected with ETV6-related conditions (Invitae). Algorithms developed to predict the effect of missense changes on protein structure and function are either unavailable or do not agree on the potential impact of this missense change (SIFT: "Deleterious"; PolyPhen-2: "Benign"; Align-GVGD: "Class C25"). In summary, the available evidence is currently insufficient to determine the role of this variant in disease. Therefore, it has been classified as a Variant of Uncertain Significance.

NM_001987.5(ETV6):c.980A>T (p.Glu327Val)

Gene: ETV6 (ETS variant transcription factor 6; plus strand). Cytogenetic location: 12p13.2.
Variant type: single nucleotide variant.
Coding change: c.980A>T on transcript NM_001987.5 (MANE Select); coding-DNA position 980, A replaced by T.
Protein change: p.Glu327Val; replaces glutamic acid 327 with valine.
Molecular consequence: missense variant.
Genome position (GRCh38, 1-based): chr12:11,869,940, A>T. VCF-style: chr12-11869940-A-T. GRCh37 (hg19) VCF-style: chr12-12022874-A-T.
Other names: c.977A>T, p.Glu326Val (NM_001413913.1); c.953A>T, p.Glu318Val (NM_001413914.1); c.716A>T, p.Glu239Val (NM_001413915.1); c.980A>T, p.Glu327Val (NM_001413916.1, NM_001413917.1); short protein forms E327V, E239V, E326V, E318V.
Identifiers: ClinVar variation 2008616 (VCV002008616.5), dbSNP rs1946855988, ClinGen allele CA384044376.